The following is an entry in ClinVar:

NM_001369.3(DNAH5):c.3138_3139insCCCCCCAACCCCA (p.Gly1047fs)

Genes: DNAH5 (dynein axonemal heavy chain 5; minus strand), DNAH5-AS1 (DNAH5 antisense RNA 1; plus strand). Cytogenetic location: 5p15.2.
Variant type: Insertion.
Coding change: c.3138_3139insCCCCCCAACCCCA on transcript NM_001369.3 (MANE Select); coding-DNA positions 3138 to 3139, CCCCCCAACCCCA inserted.
Protein change: p.Gly1047fs; shifts the reading frame from glycine 1047.
Molecular consequence: frameshift variant.
Genome position: GRCh38 VCF-style: chr5-13882939-C-CTGGGGTTGGGGGG. GRCh37 (hg19) VCF-style: chr5-13883048-C-CTGGGGTTGGGGGG.
Other names: short protein forms G1047fs.
Identifiers: ClinVar variation 5010412 (VCV005010412.1).
Genomic context (GRCh38, chr5:13,882,939, plus strand): 5'-AACCATTTCTGCACCCCATACCCACCTTGGACAACAGTTCACTGCTCCACTGTCTGACCC[C>CTGGGGTTGGGGGG]CTTAGGGACACTGATGATGCACTCCACGGCTTTGTTCAGGGTCTGCTGTACATCTTCCAG-3'

ClinVar aggregate classification (germline): Pathogenic (1 of 4 stars; one submission).

Conditions:
Primary ciliary dyskinesia 3. Identifiers: Orphanet 244, MedGen C1837618, MONDO:0012085, OMIM 608644.

Submission:

Myriad Genetics, Inc.
Classification: Pathogenic for Primary ciliary dyskinesia 3. Last evaluated: 2024-05-14. Review status: criteria provided, single submitter. Criteria: Myriad Autosomal Dominant, Autosomal Recessive and X-Linked Classification Criteria (2023). Collection method: clinical testing. Allele origin: unknown.
Comment: NM_001369.2(DNAH5):c.3138_3139ins13(G1047Pfs*12) is expected to be pathogenic in the context of primary ciliary dyskinesia, DNAH5-related. This variant is predicted to lead to an abnormal or absent protein product due to the creation of a premature termination codon in DNAH5, a gene where loss-of-function variants are known to be pathogenic. Please note: this variant was assessed in the context of healthy population screening.